The following is an entry in ClinVar:

NM_006231.4(POLE):c.1922A>G (p.Gln641Arg)

Gene: POLE (DNA polymerase epsilon, catalytic subunit; minus strand). Cytogenetic location: 12q24.33.
Variant type: single nucleotide variant.
Coding change: c.1922A>G on transcript NM_006231.4 (MANE Select); coding-DNA position 1922, A replaced by G.
Protein change: p.Gln641Arg; replaces glutamine 641 with arginine.
Molecular consequence: missense variant.
Genome position (GRCh38, 1-based): chr12:132,668,812, T>C on the plus strand (A>G on the coding strand, the complement: POLE is on the minus strand). VCF-style: chr12-132668812-T-C. GRCh37 (hg19) VCF-style: chr12-133245398-T-C.
Other names: c.1922A>G (NM_006231.2); short protein forms Q641R.
Identifiers: ClinVar variation 2009695 (VCV002009695.5), dbSNP rs2542103553, ClinGen allele CA387355269.

ClinVar aggregate classification (germline): Uncertain significance. Review status: criteria provided, multiple submitters, no conflicts (2 of 4 stars). 2 submissions from 2 submitters: Uncertain significance (2). Last evaluated 2023-09-18.

Conditions:
Hereditary cancer-predisposing syndrome. Also called: Tumor predisposition; Neoplastic Syndromes, Hereditary; Hereditary Cancer Syndrome; Hereditary neoplastic syndrome. Identifiers: Orphanet 140162, MedGen C0027672, MeSH D009386, MONDO:0015356.

Submissions (2):

Ambry Genetics
Classification: Uncertain significance for Hereditary cancer-predisposing syndrome. Last evaluated: 2023-09-18. Review status: criteria provided, single submitter. Criteria: Ambry Variant Classification Scheme 2023. Collection method: clinical testing. Allele origin: germline.
Comment: The p.Q641R variant (also known as c.1922A>G), located in coding exon 17 of the POLE gene, results from an A to G substitution at nucleotide position 1922. The glutamine at codon 641 is replaced by arginine, an amino acid with highly similar properties. This amino acid position is conserved. In addition, the in silico prediction for this alteration is inconclusive. Since supporting evidence is limited at this time, the clinical significance of this alteration remains unclear.

Labcorp Genetics (formerly Invitae), Labcorp
Classification: Uncertain significance. Last evaluated: 2022-06-23. Review status: criteria provided, single submitter. Criteria: Invitae Variant Classification Sherloc (09022015). Collection method: clinical testing. Allele origin: germline.
Comment: This variant is not present in population databases (gnomAD no frequency). In summary, the available evidence is currently insufficient to determine the role of this variant in disease. Therefore, it has been classified as a Variant of Uncertain Significance. Algorithms developed to predict the effect of missense changes on protein structure and function (SIFT, PolyPhen-2, Align-GVGD) all suggest that this variant is likely to be disruptive. This variant has not been reported in the literature in individuals affected with POLE-related conditions. This sequence change replaces glutamine, which is neutral and polar, with arginine, which is basic and polar, at codon 641 of the POLE protein (p.Gln641Arg).